The following is an entry in ClinVar:

NM_017654.4(SAMD9):c.3976C>T (p.Pro1326Ser)

Gene: SAMD9 (sterile alpha motif domain containing 9; minus strand). Cytogenetic location: 7q21.2.
Variant type: single nucleotide variant.
Coding change: c.3976C>T on transcript NM_017654.4 (MANE Select); coding-DNA position 3976, C replaced by T.
Protein change: p.Pro1326Ser; replaces proline 1326 with serine.
Molecular consequence: missense variant.
Genome position (GRCh38, 1-based): chr7:93,102,122, G>A on the plus strand (C>T on the coding strand, the complement: SAMD9 is on the minus strand). VCF-style: chr7-93102122-G-A. GRCh37 (hg19) VCF-style: chr7-92731435-G-A.
Other names: c.3976C>T, p.Pro1326Ser (NM_001193307.2); short protein forms P1326S.
Identifiers: ClinVar variation 3949674 (VCV003949674.1).
Genomic context (GRCh38, chr7:93,102,122, plus strand): 5'-CAGAAAACTTGTCTGCTTTTAAAGCTACTAGGTTTCTCCTGCATCTCTCTACTTGAAGTG[G>A]CTCACTGAACTTTGATCCAAGACCTGTGTTGTTTTGTGATTCTTCTAAGAGACAAAATAT-3'
Protein context (NP_060124.2, residues 1316-1336): NTGLGSKFSE[Pro1326Ser]LQVERCRRNL

ClinVar aggregate classification (germline): Uncertain significance (1 of 4 stars; one submission).

Conditions:
Inborn genetic diseases. Identifiers: MedGen C0950123, MeSH D030342.

gnomAD v4.1: 3 of 1,613,062 alleles (0.00019%); highest among the groups gnomAD compares: African/African-American, 0.0013%; no homozygotes.

Submission:

Ambry Genetics
Classification: Uncertain significance for Inborn genetic diseases. Last evaluated: 2025-05-25. Review status: criteria provided, single submitter. Criteria: Ambry Variant Classification Scheme 2023. Collection method: clinical testing. Allele origin: germline.
Comment: The p.P1326S variant (also known as c.3976C>T), located in coding exon 1 of the SAMD9 gene, results from a C to T substitution at nucleotide position 3976. The proline at codon 1326 is replaced by serine, an amino acid with similar properties. This amino acid position is conserved. In addition, this alteration is predicted to be tolerated by in silico analysis. Based on the available evidence, the clinical significance of this variant remains unclear.